The following is an entry in ClinVar:

ClinVar aggregate classification (germline): Benign (1 of 4 stars; one submission).

Conditions:
Melanoma, cutaneous malignant, susceptibility to, 3. Also called: Cutaneous malignant melanoma 3. Identifiers: Orphanet 618, MedGen C1836892, MONDO:0012183, OMIM 609048.

Submission:

Myriad Genetics, Inc.
Classification: Benign for Melanoma, cutaneous malignant, susceptibility to, 3. Last evaluated: 2024-09-24. Review status: criteria provided, single submitter. Criteria: Myriad Autosomal Dominant, Autosomal Recessive and X-Linked Classification Criteria (2023). Collection method: clinical testing. Allele origin: unknown.
Comment: This variant is considered benign. This variant is a silent/synonymous amino acid change and it is not expected to impact splicing.

NM_000075.4(CDK4):c.159A>G (p.Thr53=)

Genes: CDK4 (cyclin dependent kinase 4; minus strand), LOC130008148 (ATAC-STARR-seq lymphoblastoid silent region 4588; plus strand). Cytogenetic location: 12q14.1.
Variant type: single nucleotide variant.
Coding change: c.159A>G on transcript NM_000075.4 (MANE Select); coding-DNA position 159, A replaced by G.
Protein change: p.Thr53=; no amino-acid change (threonine 53 retained).
Molecular consequence: synonymous variant.
Genome position (GRCh38, 1-based): chr12:57,751,559, T>C on the plus strand (A>G on the coding strand, the complement: CDK4 is on the minus strand). VCF-style: chr12-57751559-T-C. GRCh37 (hg19) VCF-style: chr12-58145342-T-C.
Identifiers: ClinVar variation 3378473 (VCV003378473.1).